The following is an entry in ClinVar:

NM_001270.4(CHD1):c.2425A>T (p.Ile809Phe)

Gene: CHD1 (chromodomain helicase DNA binding protein 1; minus strand). Cytogenetic location: 5q15.
Variant type: single nucleotide variant.
Coding change: c.2425A>T on transcript NM_001270.4 (MANE Select); coding-DNA position 2425, A replaced by T.
Protein change: p.Ile809Phe; replaces isoleucine 809 with phenylalanine.
Molecular consequence: missense variant. On other transcripts: non-coding transcript variant (2).
Genome position (GRCh38, 1-based): chr5:98,888,159, T>A on the plus strand (A>T on the coding strand, the complement: CHD1 is on the minus strand). VCF-style: chr5-98888159-T-A. GRCh37 (hg19) VCF-style: chr5-98223863-T-A.
Other names: c.2425A>T, p.Ile809Phe (NM_001364113.3, NM_001376194.2); short protein forms I809F.
Identifiers: ClinVar variation 3730939 (VCV003730939.1).
Genomic context (GRCh38, chr5:98,888,159, plus strand): 5'-ATTGACGATATTTCAAATATTCTGCAAGTATATCTAACATCCGCACCATTTGTGAAAAAA[T>A]AAGAACTCGATTGCCTCGTTCTCTTAGGCGAATTAATAGCTTGTCAAGAAGAATCAATTT-3'
Protein context (NP_001261.2, residues 799-819): RLRERGNRVL[Ile809Phe]FSQMVRMLDI

ClinVar aggregate classification (germline): Uncertain significance (1 of 4 stars; one submission).

Submission:

GeneDx
Classification: Uncertain significance. Last evaluated: 2024-07-25. Review status: criteria provided, single submitter. Criteria: GeneDx Variant Classification Process June 2021. Collection method: clinical testing. Allele origin: germline. Affected: yes.
Comment: Not observed at significant frequency in large population cohorts (gnomAD); In silico analysis supports that this missense variant has a deleterious effect on protein structure/function; Has not been previously published as pathogenic or benign to our knowledge